The following is an entry in ClinVar:

NM_144988.4(ALG14):c.535G>A (p.Glu179Lys)

Gene: ALG14 (ALG14 UDP-N-acetylglucosaminyltransferase subunit; minus strand). Cytogenetic location: 1p21.3.
Variant type: single nucleotide variant.
Coding change: c.535G>A on transcript NM_144988.4 (MANE Select); coding-DNA position 535, G replaced by A.
Protein change: p.Glu179Lys; replaces glutamic acid 179 with lysine.
Molecular consequence: missense variant. On other transcripts: 3 prime UTR variant (1), non-coding transcript variant (1).
Genome position (GRCh38, 1-based): chr1:94,983,192, C>T on the plus strand (G>A on the coding strand, the complement: ALG14 is on the minus strand). VCF-style: chr1-94983192-C-T. GRCh37 (hg19) VCF-style: chr1-95448748-C-T.
Other names: c.*104G>A (NM_001305242.2); short protein forms E179K.
Identifiers: ClinVar variation 1505343 (VCV001505343.8), dbSNP rs957188576, ClinGen allele CA27220446.

ClinVar aggregate classification (germline): Uncertain significance. Review status: criteria provided, multiple submitters, no conflicts (2 of 4 stars). 6 submissions from 4 submitters: Uncertain significance (6). Last evaluated 2025-04-30.

Conditions:
Congenital myasthenic syndrome 15. Also called: Myasthenic syndrome, congenital, 15, without tubular aggregates. Identifiers: Orphanet 353327, Orphanet 590, MedGen C4015596, MONDO:0014542, OMIM 616227.
Intellectual developmental disorder with epilepsy, behavioral abnormalities, and coarse facies. Identifiers: MedGen C5436646, MONDO:0033572, OMIM 619031.
Myopathy, epilepsy, and progressive cerebral atrophy. Identifiers: MedGen C5436652, MONDO:0033619, OMIM 619036.
Inborn genetic diseases. Identifiers: MedGen C0950123, MeSH D030342.

Allele frequency attached by ClinVar (database versions not stated): TOPMed below 0.00001; gnomAD exomes below 0.00001; gnomAD 0.00001.
gnomAD v4.1: 5 of 1,614,026 alleles (0.00031%); highest among the groups gnomAD compares: Admixed American, 0.0033%; no homozygotes.

Submissions (6):

Ambry Genetics
Classification: Uncertain significance for Inborn genetic diseases. Last evaluated: 2025-04-30. Review status: criteria provided, single submitter. Criteria: Ambry Variant Classification Scheme 2023. Collection method: clinical testing. Allele origin: germline.

GeneDx
Classification: Uncertain significance. Last evaluated: 2024-06-26. Review status: criteria provided, single submitter. Criteria: GeneDx Variant Classification Process June 2021. Collection method: clinical testing. Allele origin: germline.
Comment: Not observed at significant frequency in large population cohorts (gnomAD); In silico analysis indicates that this missense variant does not alter protein structure/function; Has not been previously published as pathogenic or benign to our knowledge

Genome-Nilou Lab
Classification: Uncertain significance for Congenital myasthenic syndrome 15. Last evaluated: 2023-04-11. Review status: criteria provided, single submitter. Criteria: ACMG Guidelines, 2015. Collection method: clinical testing. Allele origin: germline. Affected: no.

Genome-Nilou Lab
Classification: Uncertain significance for Intellectual developmental disorder with epilepsy, behavioral abnormalities, and coarse facies. Last evaluated: 2023-04-11. Review status: criteria provided, single submitter. Criteria: ACMG Guidelines, 2015. Collection method: clinical testing. Allele origin: germline. Affected: no.

Genome-Nilou Lab
Classification: Uncertain significance for Myopathy, epilepsy, and progressive cerebral atrophy. Last evaluated: 2023-04-11. Review status: criteria provided, single submitter. Criteria: ACMG Guidelines, 2015. Collection method: clinical testing. Allele origin: germline. Affected: no.

Labcorp Genetics (formerly Invitae), Labcorp
Classification: Uncertain significance for Congenital myasthenic syndrome 15. Last evaluated: 2022-06-05. Review status: criteria provided, single submitter. Criteria: Invitae Variant Classification Sherloc (09022015). Collection method: clinical testing. Allele origin: germline.
Comment: This sequence change replaces glutamic acid, which is acidic and polar, with lysine, which is basic and polar, at codon 179 of the ALG14 protein (p.Glu179Lys). This variant is present in population databases (no rsID available, gnomAD no frequency). This variant has not been reported in the literature in individuals affected with ALG14-related conditions. ClinVar contains an entry for this variant (Variation ID: 1505343). Algorithms developed to predict the effect of missense changes on protein structure and function (SIFT, PolyPhen-2, Align-GVGD) all suggest that this variant is likely to be tolerated. In summary, the available evidence is currently insufficient to determine the role of this variant in disease. Therefore, it has been classified as a Variant of Uncertain Significance.